The following is an entry in ClinVar:

ClinVar aggregate classification (germline): Uncertain significance (1 of 4 stars; one submission).

gnomAD v4.1: 6 of 1,613,840 alleles (0.00037%); highest among the groups gnomAD compares: Non-Finnish European, 0.00025%; no homozygotes.

Submission:

GeneDx
Classification: Uncertain significance. Last evaluated: 2026-08-10. Review status: criteria provided, single submitter. Criteria: GeneDx Variant Classification Process June 2021. Collection method: clinical testing. Allele origin: germline.
Comment: In silico analysis supports that this missense variant does not alter protein structure/function; Has not been previously published as pathogenic or benign to our knowledge

NM_052867.4(NALCN):c.729T>A (p.Phe243Leu)

Gene: NALCN (sodium leak channel, non-selective; minus strand). Cytogenetic location: 13q33.1.
Variant type: single nucleotide variant.
Coding change: c.729T>A on transcript NM_052867.4 (MANE Select); coding-DNA position 729, T replaced by A.
Protein change: p.Phe243Leu; replaces phenylalanine 243 with leucine.
Molecular consequence: missense variant.
Genome position (GRCh38, 1-based): chr13:101,345,336, A>T on the plus strand (T>A on the coding strand, the complement: NALCN is on the minus strand). VCF-style: chr13-101345336-A-T. GRCh37 (hg19) VCF-style: chr13-101997687-A-T.
Other names: c.729T>A, p.Phe243Leu (NM_001350748.2, NM_001350749.2, NM_001350750.2 and 1 more transcripts); short protein forms F243L.
Identifiers: ClinVar variation 3343597 (VCV003343597.2).